The following is an entry in ClinVar:

NM_001170700.3(DTHD1):c.1015A>G (p.Asn339Asp)

Gene: DTHD1 (death domain containing 1; plus strand). Cytogenetic location: 4p14.
Variant type: single nucleotide variant.
Coding change: c.1015A>G on transcript NM_001170700.3 (MANE Select); coding-DNA position 1015, A replaced by G.
Protein change: p.Asn339Asp; replaces asparagine 339 with aspartic acid.
Molecular consequence: missense variant. On other transcripts: non-coding transcript variant (2).
Genome position (GRCh38, 1-based): chr4:36,290,500, A>G. VCF-style: chr4-36290500-A-G. GRCh37 (hg19) VCF-style: chr4-36292122-A-G.
Other names: c.640A>G (NM_001170700.1); c.145A>G, p.Asn49Asp (NM_001136536.5, NM_001378435.1); short protein forms N339D, N49D.
Identifiers: ClinVar variation 1388438 (VCV001388438.9), dbSNP rs552426120, ClinGen allele CA95767323.

ClinVar aggregate classification (germline): Uncertain significance. Review status: criteria provided, multiple submitters, no conflicts (2 of 4 stars). 2 submissions from 2 submitters: Uncertain significance (2). Last evaluated 2023-11-21.

Allele frequency attached by ClinVar (database versions not stated): gnomAD 0.00001; gnomAD exomes 0.00001; TOPMed 0.00002; 1000 Genomes Project 30x 0.00016; 1000 Genomes Project 0.00020.

Submissions (2):

Ambry Genetics
Classification: Uncertain significance. Last evaluated: 2023-11-21. Review status: criteria provided, single submitter. Criteria: Ambry Variant Classification Scheme 2023. Collection method: clinical testing. Allele origin: germline.

Labcorp Genetics (formerly Invitae), Labcorp
Classification: Uncertain significance. Last evaluated: 2022-10-05. Review status: criteria provided, single submitter. Criteria: Invitae Variant Classification Sherloc (09022015). Collection method: clinical testing. Allele origin: germline.
Comment: In summary, the available evidence is currently insufficient to determine the role of this variant in disease. Therefore, it has been classified as a Variant of Uncertain Significance. Algorithms developed to predict the effect of missense changes on protein structure and function (SIFT, PolyPhen-2, Align-GVGD) all suggest that this variant is likely to be tolerated. ClinVar contains an entry for this variant (Variation ID: 1388438). This variant has not been reported in the literature in individuals affected with DTHD1-related conditions. This variant is present in population databases (rs552426120, gnomAD 0.02%). This sequence change replaces asparagine, which is neutral and polar, with aspartic acid, which is acidic and polar, at codon 49 of the DTHD1 protein (p.Asn49Asp).